The following is an entry in ClinVar:

NM_002941.4(ROBO1):c.4358C>A (p.Ala1453Asp)

Gene: ROBO1 (roundabout guidance receptor 1; minus strand). Cytogenetic location: 3p12.3.
Variant type: single nucleotide variant.
Coding change: c.4358C>A on transcript NM_002941.4 (MANE Select); coding-DNA position 4358, C replaced by A.
Protein change: p.Ala1453Asp; replaces alanine 1453 with aspartic acid.
Molecular consequence: missense variant.
Genome position (GRCh38, 1-based): chr3:78,614,725, G>T on the plus strand (C>A on the coding strand, the complement: ROBO1 is on the minus strand). VCF-style: chr3-78614725-G-T. GRCh37 (hg19) VCF-style: chr3-78663875-G-T.
Other names: c.4223C>A, p.Ala1408Asp (NM_001145844.1, NM_133631.4); c.4058C>A, p.Ala1353Asp (NM_001145845.2); short protein forms A1353D, A1408D, A1453D.
Identifiers: ClinVar variation 2662497 (VCV002662497.1), dbSNP rs2471689656, ClinGen allele CA353647621.

ClinVar aggregate classification (germline): Uncertain significance (1 of 4 stars; one submission).

Submission:

GeneDx
Classification: Uncertain significance. Last evaluated: 2023-04-03. Review status: criteria provided, single submitter. Criteria: GeneDx Variant Classification Process June 2021. Collection method: clinical testing. Allele origin: germline. Affected: yes.
Comment: Not observed at significant frequency in large population cohorts (gnomAD); In silico analysis supports that this missense variant does not alter protein structure/function; Has not been previously published as pathogenic or benign to our knowledge